The following is an entry in ClinVar:

NM_005629.4(SLC6A8):c.113T>A (p.Val38Glu)

Gene: SLC6A8 (solute carrier family 6 member 8; plus strand). Cytogenetic location: Xq28.
Variant type: single nucleotide variant.
Coding change: c.113T>A on transcript NM_005629.4 (MANE Select); coding-DNA position 113, T replaced by A.
Protein change: p.Val38Glu; replaces valine 38 with glutamic acid.
Molecular consequence: missense variant.
Genome position (GRCh38, 1-based): chrX:153,688,687, T>A. VCF-style: chrX-153688687-T-A. GRCh37 (hg19) VCF-style: chrX-152954142-T-A.
Other names: c.113T>A, p.Val38Glu (NM_001142805.2); short protein forms V38E.
Identifiers: ClinVar variation 1309571 (VCV001309571.3), dbSNP rs2148358486, ClinGen allele CA415076304.

ClinVar aggregate classification (germline): Uncertain significance (1 of 4 stars; one submission).

Submission:

GeneDx
Classification: Uncertain significance. Last evaluated: 2024-08-28. Review status: criteria provided, single submitter. Criteria: GeneDx Variant Classification Process June 2021. Collection method: clinical testing. Allele origin: germline. Affected: yes.
Comment: Not observed at significant frequency in large population cohorts (gnomAD); In silico analysis indicates that this missense variant does not alter protein structure/function; Has not been previously published as pathogenic or benign to our knowledge